The following is an entry in ClinVar:

ClinVar aggregate classification (germline): Pathogenic (1 of 4 stars; one submission).

Submission:

Labcorp Genetics (formerly Invitae), Labcorp
Classification: Pathogenic. Last evaluated: 2024-09-11. Review status: criteria provided, single submitter. Criteria: Invitae Variant Classification Sherloc (09022015). Collection method: clinical testing. Allele origin: germline.
Comment: This sequence change creates a premature translational stop signal (p.Ile113Lysfs*7) in the PRDM5 gene. It is expected to result in an absent or disrupted protein product. Loss-of-function variants in PRDM5 are known to be pathogenic (PMID: 21664999, 26395458). This variant is not present in population databases (gnomAD no frequency). This variant has not been reported in the literature in individuals affected with PRDM5-related conditions. For these reasons, this variant has been classified as Pathogenic.

Literature cited by the submitters: PubMed 21664999; PubMed 26395458.

NM_018699.4(PRDM5):c.338_341del (p.Ile113fs)

Gene: PRDM5 (PR/SET domain 5; minus strand). Cytogenetic location: 4q27.
Variant type: Deletion.
Coding change: c.338_341del on transcript NM_018699.4 (MANE Select); coding-DNA positions 338 to 341, 4 bases deleted (TAGA; older notation c.338_341delTAGA).
Protein change: p.Ile113fs; shifts the reading frame from isoleucine 113.
Molecular consequence: frameshift variant.
Genome position (GRCh38, 1-based): chr4:120,821,305-120,821,308, TCTA deleted on the plus strand (TAGA on the coding strand, the reverse complement: PRDM5 is on the minus strand); deleting any 4 consecutive bases within chr4:120,821,305-120,821,309 gives the same sequence; the c. name uses the placement nearest the transcript's 3' end. VCF-style (leftmost placement, unchanged base first): chr4-120821304-TTCTA-T. GRCh37 (hg19) VCF-style: chr4-121742459-TTCTA-T.
Other names: c.338_341del, p.Ile113fs (NM_001300823.2, NM_001300824.2, NM_001379104.1 and 1 more transcripts); short protein forms I113fs.
Identifiers: ClinVar variation 3730758 (VCV003730758.2).